The following is an entry in ClinVar:

NM_000321.3(RB1):c.264+5G>C

Gene: RB1 (RB transcriptional corepressor 1; plus strand). Cytogenetic location: 13q14.2.
Variant type: single nucleotide variant.
Coding change: c.264+5G>C on transcript NM_000321.3 (MANE Select); 5 bases into the intron after coding-DNA position 264, G replaced by C.
Molecular consequence: intron variant.
Genome position (GRCh38, 1-based): chr13:48,307,411, G>C. VCF-style: chr13-48307411-G-C. GRCh37 (hg19) VCF-style: chr13-48881547-G-C.
Identifiers: ClinVar variation 428671 (VCV000428671.6), dbSNP rs1131690853, ClinGen allele CA645369549.
Genomic context (GRCh38, chr13:48,307,411, plus strand): 5'-TCAGAGAGAGAGCTTGGTTAACTTGGGAGAAAGTTTCATCTGTGGATGGAGTATTGGTAA[G>C]GATTTTCTTAAAACGTTTTGAAATTTTTTTTTCTCATTTTAAAAACAACTTCAAATCACT-3'

ClinVar aggregate classification (germline): Uncertain significance (1 of 4 stars; one submission).

Conditions:
Hereditary cancer-predisposing syndrome. Also called: Hereditary Cancer Syndrome; Tumor predisposition; Hereditary neoplastic syndrome; Neoplastic Syndromes, Hereditary. Identifiers: Orphanet 140162, MedGen C0027672, MeSH D009386, MONDO:0015356.

Submission:

Ambry Genetics
Classification: Uncertain significance for Hereditary cancer-predisposing syndrome. Last evaluated: 2026-04-01. Review status: criteria provided, single submitter. Criteria: Ambry Variant Classification Scheme 2023. Collection method: clinical testing. Allele origin: germline.
Comment: The c.264+5G>C intronic variant results from a G to C substitution 5 nucleotides after coding exon 2 in the RB1 gene. This variant was reported in individual(s) with features consistent with RB1-related retinoblastoma (Ambry internal data). This nucleotide position is highly conserved in available vertebrate species. In silico splice site analysis predicts that this alteration will not have any significant effect on splicing. Based on the available evidence, the clinical significance of this variant remains unclear.